The following is an entry in ClinVar:

ClinVar aggregate classification (germline): Uncertain significance. Review status: criteria provided, multiple submitters, no conflicts (2 of 4 stars). 3 submissions from 3 submitters: Uncertain significance (3). Last evaluated 2024-05-15.

Conditions:
Episodic ataxia type 2 (EA2). Also called: ATAXIA, EPISODIC, WITH NYSTAGMUS; ATAXIA, FAMILIAL PAROXYSMAL; CEREBELLAR ATAXIA, PAROXYSMAL, ACETAZOLAMIDE-RESPONSIVE; CEREBELLOPATHY, HEREDITARY PAROXYSMAL; EPISODIC ATAXIA, NYSTAGMUS-ASSOCIATED; ACETAZOLAMIDE-RESPONSIVE HEREDITARY PAROXYSMAL CEREBELLAR ATAXIA. Identifiers: Orphanet 97, MedGen C1720416, MONDO:0007163, OMIM 108500.
Developmental and epileptic encephalopathy, 42 (DEE42A). Also called: Epileptic encephalopathy, early infantile, 42; DEVELOPMENTAL AND EPILEPTIC ENCEPHALOPATHY 42A; EPILEPTIC ENCEPHALOPATHY, EARLY INFANTILE, 42A. Identifiers: MedGen C4310716, MONDO:0014917, OMIM 617106.

Submissions (3):

Labcorp Genetics (formerly Invitae), Labcorp
Classification: Uncertain significance for Developmental and epileptic encephalopathy, 42; Episodic ataxia type 2. Last evaluated: 2024-05-15. Review status: criteria provided, single submitter. Criteria: Invitae Variant Classification Sherloc (09022015). Collection method: clinical testing. Allele origin: germline.
Comment: This sequence change falls in intron 33 of the CACNA1A gene. It does not directly change the encoded amino acid sequence of the CACNA1A protein. It affects a nucleotide within the consensus splice site. This variant is not present in population databases (gnomAD no frequency). This variant has not been reported in the literature in individuals affected with CACNA1A-related conditions. ClinVar contains an entry for this variant (Variation ID: 1311665). Variants that disrupt the consensus splice site are a relatively common cause of aberrant splicing (PMID: 17576681, 9536098). Algorithms developed to predict the effect of sequence changes on RNA splicing suggest that this variant is not likely to affect RNA splicing. In summary, the available evidence is currently insufficient to determine the role of this variant in disease. Therefore, it has been classified as a Variant of Uncertain Significance.

MGZ Medical Genetics Center
Classification: Uncertain significance for Episodic ataxia type 2. Last evaluated: 2022-09-07. Review status: criteria provided, single submitter. Criteria: ACMG Guidelines, 2015. Collection method: clinical testing. Allele origin: germline. Affected: yes. Observed: 2 variant alleles.
Comment: ACMG criteria applied: PM2_SUP, PP3

GeneDx
Classification: Uncertain significance. Last evaluated: 2019-12-31. Review status: criteria provided, single submitter. Criteria: GeneDx Variant Classification Process June 2021. Collection method: clinical testing. Allele origin: germline. Affected: yes.
Comment: Has not been previously published as pathogenic or benign to our knowledge; Not observed in large population cohorts (Lek et al., 2016); In-silico analysis, which includes splice predictors and evolutionary conservation, is inconclusive as to whether the variant alters gene splicing. In the absence of RNA/functional studies, the actual effect of this sequence change is unknown.

Literature cited by the submitters: PubMed 17576681 (cited by Labcorp Genetics (formerly Invitae), Labcorp); PubMed 9536098 (cited by Labcorp Genetics (formerly Invitae), Labcorp).

NM_001127222.2(CACNA1A):c.5133+5G>A

Gene: CACNA1A (calcium voltage-gated channel subunit alpha1 A; minus strand). Cytogenetic location: 19p13.13.
Variant type: single nucleotide variant.
Coding change: c.5133+5G>A on transcript NM_001127222.2 (MANE Select); 5 bases into the intron after coding-DNA position 5133, G replaced by A.
Molecular consequence: intron variant.
Genome position (GRCh38, 1-based): chr19:13,235,204, C>T on the plus strand (G>A on the coding strand, the complement: CACNA1A is on the minus strand). VCF-style: chr19-13235204-C-T. GRCh37 (hg19) VCF-style: chr19-13346018-C-T.
Other names: c.5136+5G>A (NM_001127221.2); c.5142+5G>A (NM_001174080.2); c.5151+5G>A (NM_000068.4, NM_023035.3).
Identifiers: ClinVar variation 1311665 (VCV001311665.8), dbSNP rs2144647781, ClinGen allele CA2573054729.